The following is an entry in ClinVar:

NM_005428.4(VAV1):c.649C>A (p.Gln217Lys)

Gene: VAV1 (vav guanine nucleotide exchange factor 1; plus strand). Cytogenetic location: 19p13.3.
Variant type: single nucleotide variant.
Coding change: c.649C>A on transcript NM_005428.4 (MANE Select); coding-DNA position 649, C replaced by A.
Protein change: p.Gln217Lys; replaces glutamine 217 with lysine.
Molecular consequence: missense variant. On other transcripts: intron variant (1).
Genome position (GRCh38, 1-based): chr19:6,822,509, C>A. VCF-style: chr19-6822509-C-A. GRCh37 (hg19) VCF-style: chr19-6822520-C-A.
Other names: c.649C>A (NM_005428.2); c.649C>A, p.Gln217Lys (NM_001258206.2); c.558+180C>A (NM_001258207.2); short protein forms Q217K.
Identifiers: ClinVar variation 2906581 (VCV002906581.4), dbSNP rs763208696, ClinGen allele CA9132286.

ClinVar aggregate classification (germline): Uncertain significance. Review status: criteria provided, multiple submitters, no conflicts (2 of 4 stars). 2 submissions from 2 submitters: Uncertain significance (2). Last evaluated 2025-12-05.

Allele frequency attached by ClinVar (database versions not stated): gnomAD 0.00001; gnomAD exomes below 0.00001; TOPMed below 0.00001.
gnomAD v4.1: 10 of 1,548,312 alleles (0.00065%); highest among the groups gnomAD compares: Admixed American, 0.012%; no homozygotes.

Submissions (2):

Labcorp Genetics (formerly Invitae), Labcorp
Classification: Uncertain significance. Last evaluated: 2025-12-05. Review status: criteria provided, single submitter. Criteria: Invitae Variant Classification Sherloc (09022015). Collection method: clinical testing. Allele origin: germline.
Comment: This sequence change replaces glutamine, which is neutral and polar, with lysine, which is basic and polar, at codon 217 of the VAV1 protein (p.Gln217Lys). This variant is not present in population databases (gnomAD no frequency). This variant has not been reported in the literature in individuals affected with VAV1-related conditions. ClinVar contains an entry for this variant (Variation ID: 2906581). An algorithm developed to predict the effect of missense changes on protein structure and function (PolyPhen-2) suggests that this variant is likely to be tolerated. In summary, the available evidence is currently insufficient to determine the role of this variant in disease. Therefore, it has been classified as a Variant of Uncertain Significance.

Ambry Genetics
Classification: Uncertain significance. Last evaluated: 2025-03-26. Review status: criteria provided, single submitter. Criteria: Ambry Variant Classification Scheme 2023. Collection method: clinical testing. Allele origin: germline.